The following is an entry in ClinVar:

ClinVar aggregate classification (germline): Pathogenic/Likely pathogenic. Review status: criteria provided, multiple submitters, no conflicts (2 of 4 stars). 3 submissions from 3 submitters: Pathogenic (1); Likely pathogenic (2). Last evaluated 2023-04-11.

Conditions:
Encephalopathy due to GLUT1 deficiency. Also called: GLUCOSE TRANSPORT DEFECT, BLOOD-BRAIN BARRIER; GLUT1 deficiency syndrome 1; Classic Glucose Transporter Type 1 Deficiency Syndrome; De Vivo disease; GLUT1 deficiency syndrome 1, infantile onset, severe; Glucose transporter protein syndrome. Identifiers: Orphanet 71277, MedGen C4551966, MONDO:0011724, OMIM 606777.

Submissions (3):

Genome-Nilou Lab
Classification: Likely pathogenic for Encephalopathy due to GLUT1 deficiency. Last evaluated: 2023-04-11. Review status: criteria provided, single submitter. Criteria: ACMG Guidelines, 2015. Collection method: clinical testing. Allele origin: germline. Affected: no.

Women's Health and Genetics/Laboratory Corporation of America, LabCorp
Classification: Likely pathogenic for Encephalopathy due to GLUT1 deficiency. Last evaluated: 2022-05-24. Review status: criteria provided, single submitter. Criteria: LabCorp Variant Classification Summary - May 2015. Collection method: clinical testing. Allele origin: germline.
Comment: Variant summary: SLC2A1 c.458G>C (p.Arg153Pro) results in a non-conservative amino acid change in the encoded protein sequence. Five of five in-silico tools predict a damaging effect of the variant on protein function. The variant was absent in 249510 control chromosomes (gnomAD). c.458G>C has been reported in the literature in at least one individual affected with dystonia (Graziola_2019). To our knowledge, no experimental evidence demonstrating an impact on protein function has been reported. Other missense variants affecting Arg153 (e.g. p.Arg153Leu, p.Arg153His, p.Arg153Cys) have been reported in affected individuals (HGMD) and this position has been described as a known mutational hotspot in the literature (e.g. PMIDs: 20129935, 15622525, 34880899). One ClinVar submitter has assessed this variant since 2014, and classified it as pathogenic. Based on the evidence outlined above, the variant was classified as likely pathogenic.

GeneDx
Classification: Pathogenic. Last evaluated: 2017-10-31. Review status: criteria provided, single submitter. Criteria: GeneDx Variant Classification (06012015). Collection method: clinical testing. Allele origin: germline. Affected: yes.
Comment: The R153P pathogenic variant has not been published as a pathogenic variant, nor has it been reported as a benign variant to our knowledge. Other missense variants at this same position (R153C, R153H, R153L) have been reported in association with Glut1-DS (Pascual et al., 2002; Leen et al., 2010; Klepper et al., 2007). The R153P variant is not observed in large population cohorts (Lek et al., 2016). The R153P variant is a non-conservative amino acid substitution, which is likely to impact secondary protein structure as these residues differ in polarity, charge, size and/or other properties. Additionally, this substitution occurs at a position that is conserved across species, and in silico analysis predicts this variant is probably damaging to the protein structure/function. Furthermore, missense variants in nearby residues (S148L, P149A, G154R, A155V) have been reported in the Human Gene Mutation Database in association with SLC2A1-related disorders (Stenson et al., 2014), supporting the functional importance of this region of the protein. We interpret R153P as a pathogenic variant.

Literature cited by the submitters: PubMed 31737037 (cited by Women's Health and Genetics/Laboratory Corporation of America, LabCorp).

NM_006516.4(SLC2A1):c.458G>C (p.Arg153Pro)

Gene: SLC2A1 (solute carrier family 2 member 1; minus strand). Cytogenetic location: 1p34.2.
Variant type: single nucleotide variant.
Coding change: c.458G>C on transcript NM_006516.4 (MANE Select); coding-DNA position 458, G replaced by C.
Protein change: p.Arg153Pro; replaces arginine 153 with proline.
Molecular consequence: missense variant.
Genome position (GRCh38, 1-based): chr1:42,930,684, C>G on the plus strand (G>C on the coding strand, the complement: SLC2A1 is on the minus strand). VCF-style: chr1-42930684-C-G. GRCh37 (hg19) VCF-style: chr1-43396355-C-G.
Other names: short protein forms R153P.
Identifiers: ClinVar variation 453131 (VCV000453131.4), dbSNP rs794727642, ClinGen allele CA339960546.